The following is an entry in ClinVar:

NM_000334.4(SCN4A):c.2234A>G (p.His745Arg)

Genes: GH-LCR (growth hormone locus control region; plus strand), SCN4A (sodium voltage-gated channel alpha subunit 4; minus strand). Cytogenetic location: 17q23.3.
Variant type: single nucleotide variant.
Coding change: c.2234A>G on transcript NM_000334.4 (MANE Select); coding-DNA position 2234, A replaced by G.
Protein change: p.His745Arg; replaces histidine 745 with arginine.
Molecular consequence: missense variant.
Genome position (GRCh38, 1-based): chr17:63,957,304, T>C on the plus strand (A>G on the coding strand, the complement: SCN4A is on the minus strand). VCF-style: chr17-63957304-T-C. GRCh37 (hg19) VCF-style: chr17-62034664-T-C.
Other names: short protein forms H745R.
Identifiers: ClinVar variation 430303 (VCV000430303.8), dbSNP rs762279435, ClinGen allele CA400630026.

ClinVar aggregate classification (germline): Uncertain significance. Review status: criteria provided, multiple submitters, no conflicts (2 of 4 stars). 3 submissions from 3 submitters: Uncertain significance (3). Last evaluated 2024-10-08.

Conditions:
Hyperkalemic periodic paralysis. Also called: Familial hyperkalemic periodic paralysis; Gamstorp disease. Identifiers: Orphanet 682, MedGen C0238357, MONDO:0008224, OMIM 170500, HP:0007215.
Hypokalemic periodic paralysis, type 1. Also called: Hypokalemic Periodic Paralysis Type 1 (AD); HypoPP. Identifiers: Orphanet 681, MedGen C3714580, MONDO:0042979, OMIM 170400.
Hypokalemic periodic paralysis, type 2 (HOKPP2). Identifiers: Orphanet 681, MedGen C2750061, MONDO:0013234, OMIM 613345.
Potassium-aggravated myotonia. Also called: MYOTONIA CONGENITA, ACETAZOLAMIDE-RESPONSIVE; MYOTONIA CONGENITA, ATYPICAL; SODIUM CHANNEL MUSCLE DISEASE; Myotonia congenita, atypical, acetazolamide-responsive. Identifiers: Orphanet 612, Orphanet 99734, Orphanet 99735, Orphanet 99736, MedGen C2931826, MONDO:0018959, OMIM 608390.
Congenital myasthenic syndrome 16. Identifiers: Orphanet 590, MedGen C3280112, MONDO:0013620, OMIM 614198.
Paramyotonia congenita of Von Eulenburg. Also called: Paramyotonia Congenita; Eulenburg disease; Myotonia congenita intermittens; Von Eulenburg paramyotonia congenita; PARALYSIS PERIODICA PARAMYOTONICA. Identifiers: Orphanet 684, MedGen C0221055, MONDO:0008195, OMIM 168300. Disease mechanism: loss of function.

Allele frequency attached by ClinVar (database versions not stated): TOPMed below 0.00001; gnomAD 0.00001.
gnomAD v4.1: 13 of 1,614,044 alleles (0.00081%); highest among the groups gnomAD compares: Non-Finnish European, 0.0011%; no homozygotes.

Submissions (3):

Labcorp Genetics (formerly Invitae), Labcorp
Classification: Uncertain significance for Hyperkalemic periodic paralysis. Last evaluated: 2024-10-08. Review status: criteria provided, single submitter. Criteria: Invitae Variant Classification Sherloc (09022015). Collection method: clinical testing. Allele origin: germline.
Comment: This sequence change replaces histidine, which is basic and polar, with arginine, which is basic and polar, at codon 745 of the SCN4A protein (p.His745Arg). This variant is present in population databases (no rsID available, gnomAD 0.0009%). This variant has not been reported in the literature in individuals affected with SCN4A-related conditions. ClinVar contains an entry for this variant (Variation ID: 430303). Invitae Evidence Modeling of protein sequence and biophysical properties (such as structural, functional, and spatial information, amino acid conservation, physicochemical variation, residue mobility, and thermodynamic stability) indicates that this missense variant is not expected to disrupt SCN4A protein function with a negative predictive value of 95%. In summary, the available evidence is currently insufficient to determine the role of this variant in disease. Therefore, it has been classified as a Variant of Uncertain Significance.

Fulgent Genetics
Classification: Uncertain significance for Paramyotonia congenita of Von Eulenburg; Hypokalemic periodic paralysis, type 1; Hyperkalemic periodic paralysis; Potassium-aggravated myotonia; Hypokalemic periodic paralysis, type 2; Congenital myasthenic syndrome 16. Last evaluated: 2021-07-09. Review status: criteria provided, single submitter. Criteria: ACMG Guidelines, 2015. Collection method: clinical testing. Allele origin: unknown.

GeneDx
Classification: Uncertain significance. Last evaluated: 2017-05-22. Review status: criteria provided, single submitter. Criteria: GeneDx Variant Classification (06012015). Collection method: clinical testing. Allele origin: germline. Affected: yes.
Comment: The H745R variant has not been published as a pathogenic variant, nor has it been reported as a benign variant to our knowledge. The H745R variant is not observed in large population cohorts (Lek et al., 2016; 1000 Genomes Consortium et al., 2015; Exome Variant Server). This variant is a conservative amino acid substitution, which is not likely to impact secondary protein structure as these residues share similar properties. This substitution occurs at a position that is not conserved. In silico analysis is inconsistent in its predictions as to whether or not the variant is damaging to the protein structure/function.